The following is an entry in ClinVar:

NM_000330.4(RS1):c.103del (p.Gln35fs)

Gene: RS1 (retinoschisin 1; minus strand). Cytogenetic location: Xp22.13.
Variant type: Deletion.
Coding change: c.103del on transcript NM_000330.4 (MANE Select); coding-DNA position 103, one base deleted (C; older notation c.103delC).
Protein change: p.Gln35fs; shifts the reading frame from glutamine 35.
Molecular consequence: frameshift variant.
Genome position (GRCh38, 1-based): chrX:18,656,734, G deleted on the plus strand (C on the coding strand, the reverse complement: RS1 is on the minus strand); the first of 2 consecutive G bases (chrX:18,656,734-18,656,735); deleting either gives the same sequence. VCF-style (leftmost placement, unchanged base first): chrX-18656733-TG-T. GRCh37 (hg19) VCF-style: chrX-18674853-TG-T.
Other names: c.103delC (NM_000330.3); short protein forms Q35fs.
Identifiers: ClinVar variation 4863503 (VCV004863503.1).

ClinVar aggregate classification (germline): Pathogenic (1 of 4 stars; one submission).

Conditions:
Inborn genetic diseases. Identifiers: MedGen C0950123, MeSH D030342.

Submission:

Ambry Genetics
Classification: Pathogenic for Inborn genetic diseases. Last evaluated: 2026-03-30. Review status: criteria provided, single submitter. Criteria: Ambry Variant Classification Scheme 2023. Collection method: clinical testing. Allele origin: germline.
Comment: The c.103delC (p.Q35Kfs*91) alteration, located in exon 3 (coding exon 3) of the RS1 gene, consists of a deletion of one nucleotide at position 103, causing a translational frameshift with a predicted alternate stop codon after 91 amino acids.This variant is expected to result in loss of function by premature protein truncation or nonsense-mediated mRNA decay. This variant was not reported in population-based cohorts in the Genome Aggregation Database (gnomAD). Based on the available evidence, this alteration is classified as pathogenic.